The following is an entry in ClinVar:

NM_006361.6(HOXB13):c.761G>C (p.Ser254Thr)

Gene: HOXB13 (homeobox B13; minus strand). Cytogenetic location: 17q21.32.
Variant type: single nucleotide variant.
Coding change: c.761G>C on transcript NM_006361.6 (MANE Select); coding-DNA position 761, G replaced by C.
Protein change: p.Ser254Thr; replaces serine 254 with threonine.
Molecular consequence: missense variant.
Genome position (GRCh38, 1-based): chr17:48,726,884, C>G on the plus strand (G>C on the coding strand, the complement: HOXB13 is on the minus strand). VCF-style: chr17-48726884-C-G. GRCh37 (hg19) VCF-style: chr17-46804246-C-G.
Other names: short protein forms S254T.
Identifiers: ClinVar variation 827155 (VCV000827155.18), dbSNP rs769938759, ClinGen allele CA8633914.
Genomic context (GRCh38, chr17:48,726,884, plus strand): 5'-ACCTTCTTCTCTTTGACCCGGCGGTTCTGAAACCAGATGGTAATCTGGCGCTCCGAGAGG[C>G]TGGTGGCTGCCGAGATCTTGCGCCTCTTGTCCTTGGTGATGAACTTGTTAGCCGCATACT-3'
Protein context (NP_006352.2, residues 244-264): DKRRKISAAT[Ser254Thr]LSERQITIWF

ClinVar aggregate classification (germline): Uncertain significance. Review status: criteria provided, multiple submitters, no conflicts (2 of 4 stars). 5 submissions from 5 submitters: Uncertain significance (5). Last evaluated 2026-05-28.

Conditions:
Prostate cancer, hereditary, 9 (HPC9). Identifiers: Orphanet 1331, MedGen C1970250, MONDO:0012597, OMIM 610997.
Hereditary cancer-predisposing syndrome. Also called: Tumor predisposition; Hereditary Cancer Syndrome; Neoplastic Syndromes, Hereditary; Hereditary neoplastic syndrome. Identifiers: Orphanet 140162, MedGen C0027672, MeSH D009386, MONDO:0015356.

Allele frequency attached by ClinVar (database versions not stated): ExAC 0.00002; gnomAD 0.00009 and 0.00007; gnomAD exomes 0.00002 and 0.00001; TOPMed 0.00007.
gnomAD v4.1: 17 of 1,614,054 alleles (0.0011%); highest among the groups gnomAD compares: African/African-American, 0.017%; no homozygotes.

Submissions (5):

Women's Health and Genetics/Laboratory Corporation of America, LabCorp
Classification: Uncertain significance. Last evaluated: 2026-05-28. Review status: criteria provided, single submitter. Criteria: LabCorp Variant Classification Summary - May 2015. Collection method: clinical testing. Allele origin: germline.
Comment: Variant summary: HOXB13 c.761G>C (p.Ser254Thr) results in a conservative amino acid change in the encoded protein sequence. Algorithms developed to predict the effect of missense changes on protein structure and function are either unavailable or do not agree on the potential impact of this missense change. The variant allele was found at a frequency of 2.4e-05 in 251480 control chromosomes. The available data on variant occurrences in the general population are insufficient to allow any conclusion about variant significance. To our knowledge, no occurrence of c.761G>C in individuals affected with HOXB13-related conditions and no experimental evidence demonstrating its impact on protein function have been reported. ClinVar contains an entry for this variant (Variation ID: 827155). Based on the evidence outlined above, the variant was classified as uncertain significance.

Labcorp Genetics (formerly Invitae), Labcorp
Classification: Uncertain significance. Last evaluated: 2026-01-27. Review status: criteria provided, single submitter. Criteria: Invitae Variant Classification Sherloc (09022015). Collection method: clinical testing. Allele origin: germline.
Comment: This sequence change replaces serine, which is neutral and polar, with threonine, which is neutral and polar, at codon 254 of the HOXB13 protein (p.Ser254Thr). This variant is present in population databases (rs769938759, gnomAD 0.03%). This variant has not been reported in the literature in individuals affected with HOXB13-related conditions. ClinVar contains an entry for this variant (Variation ID: 827155). Invitae Evidence Modeling of protein sequence and biophysical properties (such as structural, functional, and spatial information, amino acid conservation, physicochemical variation, residue mobility, and thermodynamic stability) indicates that this missense variant is not expected to disrupt HOXB13 protein function with a negative predictive value of 80%. In summary, the available evidence is currently insufficient to determine the role of this variant in disease. Therefore, it has been classified as a Variant of Uncertain Significance.

Ambry Genetics
Classification: Uncertain significance for Hereditary cancer-predisposing syndrome. Last evaluated: 2025-10-10. Review status: criteria provided, single submitter. Criteria: Ambry Variant Classification Scheme 2023. Collection method: clinical testing. Allele origin: germline.
Comment: The p.S254T variant (also known as c.761G>C), located in coding exon 2 of the HOXB13 gene, results from a G to C substitution at nucleotide position 761. The serine at codon 254 is replaced by threonine, an amino acid with similar properties. This amino acid position is highly conserved through mammals but not in all available vertebrate species. In addition, the in silico prediction for this alteration is inconclusive. Since supporting evidence is limited at this time, the clinical significance of this alteration remains unclear.

GeneDx
Classification: Uncertain significance. Last evaluated: 2025-09-24. Review status: criteria provided, single submitter. Criteria: GeneDx Variant Classification Process June 2021. Collection method: clinical testing. Allele origin: germline. Affected: yes.
Comment: In silico analysis suggests that this missense variant does not alter protein structure/function; Has not been previously published as pathogenic or benign to our knowledge; This variant is associated with the following publications: (PMID: 19389631, 8756292, 28072499)

Fulgent Genetics
Classification: Uncertain significance for Prostate cancer, hereditary, 9. Last evaluated: 2024-01-22. Review status: criteria provided, single submitter. Criteria: ACMG Guidelines, 2015. Collection method: clinical testing. Allele origin: germline.

Literature cited by the submitters: PubMed 28072499 (cited by Ambry Genetics).